The following is an entry in ClinVar:

ClinVar aggregate classification (germline): Uncertain significance (1 of 4 stars; one submission).

Conditions:
Inborn genetic diseases. Identifiers: MedGen C0950123, MeSH D030342.

Submission:

Ambry Genetics
Classification: Uncertain significance for Inborn genetic diseases. Last evaluated: 2026-04-29. Review status: criteria provided, single submitter. Criteria: Ambry Variant Classification Scheme 2023. Collection method: clinical testing. Allele origin: germline.
Comment: The c.735+1G>A intronic variant consists of a G to A substitution one nucleotide after exon 7 (coding exon 7) of the PSMC3 gene. Variants that disrupt the canonical splice site are expected to cause aberrant splicing. The resulting transcript is predicted to be in-frame and is not expected to trigger nonsense-mediated mRNA decay, although direct evidence is unavailable. Loss of function of PSMC3 has not been established as a mechanism of disease. This variant was not reported in population-based cohorts in the Genome Aggregation Database (gnomAD). This nucleotide position is highly conserved in available vertebrate species. In silico splice site analysis predicts that this alteration will weaken the native splice donor site and may result in the creation or strengthening of a novel splice donor site. Based on insufficient or conflicting evidence, the clinical significance of this alteration remains unclear.

NM_002804.5(PSMC3):c.735+1G>A

Gene: PSMC3 (proteasome 26S subunit, ATPase 3; minus strand). Cytogenetic location: 11p11.2.
Variant type: single nucleotide variant.
Coding change: c.735+1G>A on transcript NM_002804.5 (MANE Select); the canonical splice donor site of the intron after coding-DNA position 735, G replaced by A.
Molecular consequence: splice donor variant.
Genome position (GRCh38, 1-based): chr11:47,422,829, C>T on the plus strand (G>A on the coding strand, the complement: PSMC3 is on the minus strand). VCF-style: chr11-47422829-C-T. GRCh37 (hg19) VCF-style: chr11-47444380-C-T.
Identifiers: ClinVar variation 4862611 (VCV004862611.1).